The following is an entry in ClinVar:

NM_016239.4(MYO15A):c.7908C>T (p.Ala2636=)

Gene: MYO15A (myosin XVA; plus strand). Cytogenetic location: 17p11.2.
Variant type: single nucleotide variant.
Coding change: c.7908C>T on transcript NM_016239.4 (MANE Select); coding-DNA position 7908, C replaced by T.
Protein change: p.Ala2636=; no amino-acid change (alanine 2636 retained).
Molecular consequence: synonymous variant.
Genome position (GRCh38, 1-based): chr17:18,152,126, C>T. VCF-style: chr17-18152126-C-T. GRCh37 (hg19) VCF-style: chr17-18055440-C-T.
Identifiers: ClinVar variation 45762 (VCV000045762.45), dbSNP rs201535856, ClinGen allele CA137012.
Genomic context (GRCh38, chr17:18,152,126, plus strand): 5'-AGGGCCTGCCTGTTGCCCCCTGAGCAGTCTCTTTGGGGTGGGACAGGTGTCCAGAGAGGC[C>T]GTGGCCCTGGTGAAGCCGGTGACCAGTGCACCAAGGCCATCCATGGCACCCACTTCAGGT-3'
Protein context (NP_057323.3, residues 2626-2646): AAPGTQVSRE[Ala2636=]VALVKPVTSA

ClinVar aggregate classification (germline): Likely benign. Review status: criteria provided, multiple submitters, no conflicts (2 of 4 stars). 8 submissions from 8 submitters: Likely benign (8). Last evaluated 2026-01-28.

Conditions:
Autosomal recessive nonsyndromic hearing loss 3. Also called: NEUROSENSORY NONSYNDROMIC RECESSIVE DEAFNESS 3. Identifiers: Orphanet 90636, MedGen C1838263, MONDO:0010860, OMIM 600316.

Allele frequency attached by ClinVar (database versions not stated): 1000 Genomes Project 30x 0.00047; 1000 Genomes Project 0.00060; ESP Exome Variant Server 0.00085; gnomAD 0.00103 and 0.00118; TOPMed 0.00121; gnomAD exomes 0.00128 and 0.00204; ExAC 0.00182.
gnomAD v4.1: 3,033 of 1,551,306 alleles (0.2%); highest among the groups gnomAD compares: Middle Eastern, 0.27%; 2 homozygotes.

Submissions (8):

Labcorp Genetics (formerly Invitae), Labcorp
Classification: Likely benign. Last evaluated: 2026-01-28. Review status: criteria provided, single submitter. Criteria: Invitae Variant Classification Sherloc (09022015). Collection method: clinical testing. Allele origin: germline.

CeGaT Center for Human Genetics Tuebingen
Classification: Likely benign. Last evaluated: 2025-08-01. Review status: criteria provided, single submitter. Criteria: CeGaT Center For Human Genetics Tuebingen Variant Classification Criteria Version 2. Collection method: clinical testing. Allele origin: germline. Affected: yes. Observed: 4 variant alleles.
Comment: MYO15A: BP4, BP7

Blueprint Genetics
Classification: Likely benign. Last evaluated: 2024-11-22. Review status: criteria provided, single submitter. Criteria: ACMG Guidelines, 2015. Collection method: clinical testing. Allele origin: germline.

Athena Diagnostics
Classification: Likely benign. Last evaluated: 2019-06-03. Review status: criteria provided, single submitter. Criteria: Athena Diagnostics Criteria. Collection method: clinical testing. Allele origin: germline.

GeneDx
Classification: Likely benign. Last evaluated: 2018-04-24. Review status: criteria provided, single submitter. Criteria: GeneDx Variant Classification (06012015). Collection method: clinical testing. Allele origin: germline. Affected: yes.
Comment: This variant is considered likely benign or benign based on one or more of the following criteria: it is a conservative change, it occurs at a poorly conserved position in the protein, it is predicted to be benign by multiple in silico algorithms, and/or has population frequency not consistent with disease.

Illumina Laboratory Services, Illumina
Classification: Likely benign for Autosomal recessive nonsyndromic hearing loss 3. Last evaluated: 2017-04-27. Review status: criteria provided, single submitter. Criteria: ICSL Variant Classification Criteria 13 December 2019. Collection method: clinical testing. Allele origin: germline.
Comment: This variant was observed as part of a predisposition screen in an ostensibly healthy population. A literature search was performed for the gene, cDNA change, and amino acid change (where applicable). Publications were found based on this search. The evidence from the literature, in combination with allele frequency data from public databases where available, was sufficient to determine this variant is unlikely to cause disease. Therefore, this variant is classified as likely benign.

Laboratory for Molecular Medicine, Mass General Brigham Personalized Medicine
Classification: Likely benign. Last evaluated: 2016-08-16. Review status: criteria provided, single submitter. Criteria: LMM Criteria. Collection method: clinical testing. Allele origin: germline. Observed: 3 variant alleles.
Comment: p.Ala2636Ala in Exon 42 of MYO15A: This variant is not expected to have clinical significance because it does not alter an amino acid residue, is not located wi thin the splice consensus sequence, and has been identified in 0.2% (19/8196) of European chromosomes by the Exome Aggregation Consortium (ExAC; dbSNP rs201535856).

Breakthrough Genomics
Classification: Likely benign. Review status: criteria provided, single submitter. Criteria: ACMG Guidelines, 2015. Collection method: not provided. Allele origin: germline. Inheritance: Autosomal recessive inheritance. Affected: yes.

Literature cited by the submitters: PubMed 24498627 (cited by Athena Diagnostics and Illumina Laboratory Services, Illumina).